The following is an entry in ClinVar:

ClinVar aggregate classification (germline): Uncertain significance (1 of 4 stars; one submission).

Submission:

Labcorp Genetics (formerly Invitae), Labcorp
Classification: Uncertain significance. Last evaluated: 2024-11-03. Review status: criteria provided, single submitter. Criteria: Invitae Variant Classification Sherloc (09022015). Collection method: clinical testing. Allele origin: germline.
Comment: This sequence change replaces aspartic acid, which is acidic and polar, with histidine, which is basic and polar, at codon 826 of the LEMD3 protein (p.Asp826His). This variant is not present in population databases (gnomAD no frequency). This variant has not been reported in the literature in individuals affected with LEMD3-related conditions. Invitae Evidence Modeling of protein sequence and biophysical properties (such as structural, functional, and spatial information, amino acid conservation, physicochemical variation, residue mobility, and thermodynamic stability) indicates that this missense variant is expected to disrupt LEMD3 protein function with a positive predictive value of 80%. In summary, the available evidence is currently insufficient to determine the role of this variant in disease. Therefore, it has been classified as a Variant of Uncertain Significance.

NM_014319.5(LEMD3):c.2476G>C (p.Asp826His)

Gene: LEMD3 (LEM domain containing 3; plus strand). Cytogenetic location: 12q14.3.
Variant type: single nucleotide variant.
Coding change: c.2476G>C on transcript NM_014319.5 (MANE Select); coding-DNA position 2476, G replaced by C.
Protein change: p.Asp826His; replaces aspartic acid 826 with histidine.
Molecular consequence: missense variant.
Genome position (GRCh38, 1-based): chr12:65,245,757, G>C. VCF-style: chr12-65245757-G-C. GRCh37 (hg19) VCF-style: chr12-65639537-G-C.
Other names: c.2473G>C, p.Asp825His (NM_001167614.2); short protein forms D825H, D826H.
Identifiers: ClinVar variation 3690176 (VCV003690176.2).
Genomic context (GRCh38, chr12:65,245,757, plus strand): 5'-ATTCAAGAAGCAATTTTAGAAAAATGCAGTGATAATGATGGCATTGTTCACATTGCAGTA[G>C]ACAAAAATTCACGTGAGGTAAAGTAACTTTTGGTATTGAATTTCATGTTTTGGATTTGTT-3'
Protein context (NP_055134.2, residues 816-836): DNDGIVHIAV[Asp826His]KNSREGCVYV